The following is an entry in ClinVar:

ClinVar aggregate classification (germline): Likely benign (1 of 4 stars; one submission).

gnomAD v4.1: 939 of 1,597,454 alleles (0.059%); highest among the groups gnomAD compares: East Asian, 0.36%; 12 homozygotes.

Submission:

CeGaT Center for Human Genetics Tuebingen
Classification: Likely benign. Last evaluated: 2026-09-01. Review status: criteria provided, single submitter. Criteria: CeGaT Center For Human Genetics Tuebingen Variant Classification Criteria Version 2. Collection method: clinical testing. Allele origin: germline. Affected: yes. Observed: 2 variant alleles.
Comment: CDK11B: BP4, BP7, BS2

NM_033486.3(CDK11B):c.1407G>C (p.Ser469=)

Gene: CDK11B (cyclin dependent kinase 11B; minus strand). Cytogenetic location: 1p36.33.
Variant type: single nucleotide variant.
Coding change: c.1407G>C on transcript NM_033486.3 (MANE Select); coding-DNA position 1407, G replaced by C.
Protein change: p.Ser469=; no amino-acid change (serine 469 retained).
Molecular consequence: synonymous variant.
Genome position (GRCh38, 1-based): chr1:1,637,819, C>G on the plus strand (G>C on the coding strand, the complement: CDK11B is on the minus strand). VCF-style: chr1-1637819-C-G. GRCh37 (hg19) VCF-style: chr1-1573181-C-G.
Other names: c.1377G>C, p.Ser459= (NM_001291345.2); c.1446G>C, p.Ser482= (NM_001787.3); c.639G>C, p.Ser213= (NM_033487.3); c.1305G>C, p.Ser435= (NM_033489.3); c.756G>C, p.Ser252= (NM_033490.3).
Identifiers: ClinVar variation 3770642 (VCV003770642.13).